The following is an entry in ClinVar:

NM_001004334.4(GPR179):c.487G>A (p.Ala163Thr)

Gene: GPR179 (G protein-coupled receptor 179; minus strand). Cytogenetic location: 17q12.
Variant type: single nucleotide variant.
Coding change: c.487G>A on transcript NM_001004334.4 (MANE Select); coding-DNA position 487, G replaced by A.
Protein change: p.Ala163Thr; replaces alanine 163 with threonine.
Molecular consequence: missense variant.
Genome position (GRCh38, 1-based): chr17:38,343,303, C>T on the plus strand (G>A on the coding strand, the complement: GPR179 is on the minus strand). VCF-style: chr17-38343303-C-T. GRCh37 (hg19) VCF-style: chr17-36499186-C-T.
Other names: short protein forms A163T.
Identifiers: ClinVar variation 2001670 (VCV002001670.4), dbSNP rs2512175957, ClinGen allele CA398889124.
Genomic context (GRCh38, chr17:38,343,303, plus strand): 5'-CCCAGTTCCCAGACAAGTCCTGCAGGATGGTTTCCTCCCCAGTCCGGGTGGCCTGCAGGG[C>T]CAGCTGTAGGTGGCTGGCCCCTGGTGGAGGGTTAAAGGTCAGCAAAGCCCTGTACACTCT-3'
Protein context (NP_001004334.3, residues 153-173): PPPGASHLQL[Ala163Thr]LQATRTGEET

ClinVar aggregate classification (germline): Uncertain significance (1 of 4 stars; one submission).

Allele frequency attached by ClinVar (database versions not stated): gnomAD exomes below 0.00001.

Submission:

Labcorp Genetics (formerly Invitae), Labcorp
Classification: Uncertain significance. Last evaluated: 2022-06-01. Review status: criteria provided, single submitter. Criteria: Invitae Variant Classification Sherloc (09022015). Collection method: clinical testing. Allele origin: germline.
Comment: This variant has not been reported in the literature in individuals affected with GPR179-related conditions. Algorithms developed to predict the effect of missense changes on protein structure and function are either unavailable or do not agree on the potential impact of this missense change (SIFT: "Deleterious"; PolyPhen-2: "Benign"; Align-GVGD: "Class C0"). In summary, the available evidence is currently insufficient to determine the role of this variant in disease. Therefore, it has been classified as a Variant of Uncertain Significance. This variant is not present in population databases (gnomAD no frequency). This sequence change replaces alanine, which is neutral and non-polar, with threonine, which is neutral and polar, at codon 163 of the GPR179 protein (p.Ala163Thr).